The following is an entry in ClinVar:

ClinVar aggregate classification (germline): Likely benign (0 of 4 stars; one submission).

Conditions:
TRIP12-related disorder. Also called: TRIP12-related condition.

Allele frequency attached by ClinVar (database versions not stated): ESP Exome Variant Server 0.00008.
gnomAD v4.1: 302 of 1,599,168 alleles (0.019%); highest among the groups gnomAD compares: Non-Finnish European, 0.024%; no homozygotes.

Submission:

PreventionGenetics, part of Exact Sciences
Classification: Likely benign for TRIP12-related condition. Last evaluated: 2022-08-22. Review status: no assertion criteria provided. Collection method: clinical testing. Allele origin: germline.
Comment: This variant is classified as likely benign based on ACMG/AMP sequence variant interpretation guidelines (Richards et al. 2015 PMID: 25741868, with internal and published modifications).

NM_001348323.3(TRIP12):c.1240C>T (p.Arg414Trp)

Gene: TRIP12 (thyroid hormone receptor interactor 12; minus strand). Cytogenetic location: 2q36.3.
Variant type: single nucleotide variant.
Coding change: c.1240C>T on transcript NM_001348323.3 (MANE Select); coding-DNA position 1240, C replaced by T.
Protein change: p.Arg414Trp; replaces arginine 414 with tryptophan.
Molecular consequence: missense variant.
Genome position (GRCh38, 1-based): chr2:229,836,878, G>A on the plus strand (C>T on the coding strand, the complement: TRIP12 is on the minus strand). VCF-style: chr2-229836878-G-A. GRCh37 (hg19) VCF-style: chr2-230701594-G-A.
Other names: c.1240C>T, p.Arg414Trp (NM_001284214.2, NM_001348315.2, NM_001348319.1 and 13 more transcripts); c.1114C>T, p.Arg372Trp (NM_001284215.2, NM_001348316.2, NM_001348317.1 and 3 more transcripts); c.205C>T, p.Arg69Trp (NM_001284216.2); c.1153C>T, p.Arg385Trp (NM_001348332.1, NM_001348334.1); short protein forms R372W, R385W, R414W, R69W.
Identifiers: ClinVar variation 3036685 (VCV003036685.2), dbSNP rs200117340, ClinGen allele CA2153337.